The following is an entry in ClinVar:

ClinVar aggregate classification (germline): Likely benign (0 of 4 stars; one submission).

Conditions:
FMN2-related disorder. Also called: FMN2-related condition.

Allele frequency attached by ClinVar (database versions not stated): gnomAD 0.00001; TOPMed 0.00001; ExAC 0.00002; gnomAD exomes 0.00002.
gnomAD v4.1: 23 of 1,613,808 alleles (0.0014%); highest among the groups gnomAD compares: Non-Finnish European, 0.0019%; no homozygotes.

Submission:

PreventionGenetics, part of Exact Sciences
Classification: Likely benign for FMN2-related condition. Last evaluated: 2021-04-12. Review status: no assertion criteria provided. Collection method: clinical testing. Allele origin: germline.
Comment: This variant is classified as likely benign based on ACMG/AMP sequence variant interpretation guidelines (Richards et al. 2015 PMID: 25741868, with internal and published modifications).

NM_020066.5(FMN2):c.3843G>A (p.Gly1281=)

Gene: FMN2 (formin 2; plus strand). Cytogenetic location: 1q43.
Variant type: single nucleotide variant.
Coding change: c.3843G>A on transcript NM_020066.5 (MANE Select); coding-DNA position 3843, G replaced by A.
Protein change: p.Gly1281=; no amino-acid change (glycine 1281 retained).
Molecular consequence: synonymous variant. On other transcripts: intron variant (1).
Genome position (GRCh38, 1-based): chr1:240,208,655, G>A. VCF-style: chr1-240208655-G-A. GRCh37 (hg19) VCF-style: chr1-240371955-G-A.
Other names: c.3855G>A, p.Gly1285= (NM_001305424.2); c.1986+20393G>A (NM_001348094.2).
Identifiers: ClinVar variation 3031301 (VCV003031301.2), dbSNP rs772038823, ClinGen allele CA1477304.
Genomic context (GRCh38, chr1:240,208,655, plus strand): 5'-ATTTCTTCCTCCTCCATTGCCAAGTGGCTTGTTTGGATTAGGGATGAATCAGGACAAAGG[G>A]AGTAGGAAGCAGCCCATAGAGCCTTGTCGACCAATGAAGCCTCTTTACTGGACCAGGATT-3'
Protein context (NP_064450.3, residues 1271-1291): LFGLGMNQDK[Gly1281=]SRKQPIEPCR